The following is an entry in ClinVar:

NM_017617.5(NOTCH1):c.1924C>G (p.Leu642Val)

Gene: NOTCH1 (notch receptor 1; minus strand). Cytogenetic location: 9q34.3.
Variant type: single nucleotide variant.
Coding change: c.1924C>G on transcript NM_017617.5 (MANE Select); coding-DNA position 1924, C replaced by G.
Protein change: p.Leu642Val; replaces leucine 642 with valine.
Molecular consequence: missense variant.
Genome position (GRCh38, 1-based): chr9:136,515,380, G>C on the plus strand (C>G on the coding strand, the complement: NOTCH1 is on the minus strand). VCF-style: chr9-136515380-G-C. GRCh37 (hg19) VCF-style: chr9-139409832-G-C.
Other names: short protein forms L642V.
Identifiers: ClinVar variation 810478 (VCV000810478.51), dbSNP rs755740633, ClinGen allele CA5341562.
Genomic context (GRCh38, chr9:136,515,380, plus strand): 5'-AGCCATCGATCTTGTCCAGACAGGTGCCCGAGTCGCAGGGGCTGCTGGCACAGTCATCCA[G>C]GTTGATCTCGCAGTTGGGTCCTGAAGGGGTGGCACGTGTCGGTCAGTCCTCAGGCCCGCC-3'
Protein context (NP_060087.3, residues 632-652): GTTGPNCEIN[Leu642Val]DDCASSPCDS

ClinVar aggregate classification (germline): Conflicting classifications of pathogenicity. Review status: criteria provided, conflicting classifications (1 of 4 stars). 5 submissions from 4 submitters: Uncertain significance (4); Likely benign (1). Last evaluated 2025-10-26.

Conditions:
Familial thoracic aortic aneurysm and aortic dissection (TAAD). Also called: Thoracic aortic aneurysms and dissections. Identifiers: Orphanet 91387, MedGen C4707243, MONDO:0019625.
Adams-Oliver syndrome 5 (AOS5). Identifiers: Orphanet 974, MedGen C4014970, MONDO:0014459, OMIM 616028.
Aortic valve disease 1 (AOVD1). Identifiers: MedGen C3887892, MONDO:0024523, OMIM 109730.

Allele frequency attached by ClinVar (database versions not stated): gnomAD exomes below 0.00001 and 0.00001; ExAC 0.00001; gnomAD 0.00001; TOPMed 0.00001.
gnomAD v4.1: 14 of 1,612,886 alleles (0.00087%); highest among the groups gnomAD compares: East Asian, 0.0022%; no homozygotes.

Submissions (5):

Ambry Genetics
Classification: Uncertain significance for Familial thoracic aortic aneurysm and aortic dissection. Last evaluated: 2025-10-26. Review status: criteria provided, single submitter. Criteria: Ambry Variant Classification Scheme 2023. Collection method: clinical testing. Allele origin: germline.
Comment: The p.L642V variant (also known as c.1924C>G), located in coding exon 12 of the NOTCH1 gene, results from a C to G substitution at nucleotide position 1924. The leucine at codon 642 is replaced by valine, an amino acid with highly similar properties. This amino acid position is conserved. In addition, this alteration is predicted to be tolerated by in silico analysis. Since supporting evidence is limited at this time, the clinical significance of this alteration remains unclear.

Labcorp Genetics (formerly Invitae), Labcorp
Classification: Likely benign for Adams-Oliver syndrome 5. Last evaluated: 2025-05-19. Review status: criteria provided, single submitter. Criteria: Invitae Variant Classification Sherloc (09022015). Collection method: clinical testing. Allele origin: germline.

Genome-Nilou Lab
Classification: Uncertain significance for Adams-Oliver syndrome 5. Last evaluated: 2022-03-15. Review status: criteria provided, single submitter. Criteria: ACMG Guidelines, 2015. Collection method: clinical testing. Allele origin: germline. Affected: no.

Genome-Nilou Lab
Classification: Uncertain significance for Aortic valve disease 1. Last evaluated: 2022-03-15. Review status: criteria provided, single submitter. Criteria: ACMG Guidelines, 2015. Collection method: clinical testing. Allele origin: germline. Affected: no.

CeGaT Center for Human Genetics Tuebingen
Classification: Uncertain significance. Last evaluated: 2018-12-01. Review status: criteria provided, single submitter. Criteria: CeGaT Center For Human Genetics Tuebingen Variant Classification Criteria Version 2. Collection method: clinical testing. Allele origin: germline. Affected: yes. Observed: 1 variant allele.